The following is an entry in ClinVar:

NM_002838.5(PTPRC):c.1415G>A (p.Ser472Asn)

Gene: PTPRC (protein tyrosine phosphatase receptor type C; plus strand). Cytogenetic location: 1q32.1.
Variant type: single nucleotide variant.
Coding change: c.1415G>A on transcript NM_002838.5 (MANE Select); coding-DNA position 1415, G replaced by A.
Protein change: p.Ser472Asn; replaces serine 472 with asparagine.
Molecular consequence: missense variant.
Genome position (GRCh38, 1-based): chr1:198,716,805, G>A. VCF-style: chr1-198716805-G-A. GRCh37 (hg19) VCF-style: chr1-198685934-G-A.
Other names: c.932G>A, p.Ser311Asn (NM_080921.4); short protein forms S311N, S472N.
Identifiers: ClinVar variation 1713880 (VCV001713880.5), dbSNP rs1274421382, ClinGen allele CA344037750.

ClinVar aggregate classification (germline): Uncertain significance (1 of 4 stars; one submission).

Conditions:
Immunodeficiency 104. Also called: Severe combined immunodeficiency, autosomal recessive, T cell-negative, B cell-positive, NK cell-positive; IMMUNODEFICIENCY 104, SEVERE COMBINED; Severe Combined Immune Deficiency, Autosomal Recessive, TCell -Negative, B Cell-Positive, NK Cell-Positive, IL7R-Related; SCID, AUTOSOMAL RECESSIVE, T CELL-NEGATIVE, B CELL-POSITIVE, NK CELL-POSITIVE. Identifiers: MedGen C5676890, MONDO:0012163, OMIM 608971.

Allele frequency attached by ClinVar (database versions not stated): TOPMed below 0.00001; gnomAD 0.00001.
gnomAD v4.1: 1 of 1,613,458 alleles (0.000062%); highest among the groups gnomAD compares: East Asian, 0.0022%; no homozygotes.

Submission:

Labcorp Genetics (formerly Invitae), Labcorp
Classification: Uncertain significance for Immunodeficiency 104. Last evaluated: 2024-04-16. Review status: criteria provided, single submitter. Criteria: Invitae Variant Classification Sherloc (09022015). Collection method: clinical testing. Allele origin: germline.
Comment: This sequence change replaces serine, which is neutral and polar, with asparagine, which is neutral and polar, at codon 472 of the PTPRC protein (p.Ser472Asn). This variant is not present in population databases (gnomAD no frequency). This variant has not been reported in the literature in individuals affected with PTPRC-related conditions. ClinVar contains an entry for this variant (Variation ID: 1713880). Algorithms developed to predict the effect of missense changes on protein structure and function output the following: SIFT: "Not Available"; PolyPhen-2: "Benign"; Align-GVGD: "Not Available". The asparagine amino acid residue is found in multiple mammalian species, which suggests that this missense change does not adversely affect protein function. In summary, the available evidence is currently insufficient to determine the role of this variant in disease. Therefore, it has been classified as a Variant of Uncertain Significance.